The following is an entry in ClinVar:

ClinVar aggregate classification (germline): Uncertain significance (1 of 4 stars; one submission).

Allele frequency attached by ClinVar (database versions not stated): ExAC 0.00001; gnomAD exomes 0.00001 and 0.00004; gnomAD 0.00003; TOPMed 0.00003; ESP Exome Variant Server 0.00008.

Submission:

Labcorp Genetics (formerly Invitae), Labcorp
Classification: Uncertain significance. Last evaluated: 2022-05-28. Review status: criteria provided, single submitter. Criteria: Invitae Variant Classification Sherloc (09022015). Collection method: clinical testing. Allele origin: germline.
Comment: This sequence change replaces tryptophan, which is neutral and slightly polar, with glycine, which is neutral and non-polar, at codon 1660 of the MCM3AP protein (p.Trp1660Gly). This variant is present in population databases (rs373393920, gnomAD 0.008%). This variant has not been reported in the literature in individuals affected with MCM3AP-related conditions. ClinVar contains an entry for this variant (Variation ID: 1368276). Algorithms developed to predict the effect of missense changes on protein structure and function are either unavailable or do not agree on the potential impact of this missense change (SIFT: "Deleterious"; PolyPhen-2: "Probably Damaging"; Align-GVGD: "Class C0"). In summary, the available evidence is currently insufficient to determine the role of this variant in disease. Therefore, it has been classified as a Variant of Uncertain Significance.

NM_003906.5(MCM3AP):c.4978T>G (p.Trp1660Gly)

Genes: MCM3AP (minichromosome maintenance complex component 3 associated protein; minus strand), MCM3AP-AS1 (MCM3AP antisense RNA 1; plus strand). Cytogenetic location: 21q22.3.
Variant type: single nucleotide variant.
Coding change: c.4978T>G on transcript NM_003906.5 (MANE Select); coding-DNA position 4978, T replaced by G.
Protein change: p.Trp1660Gly; replaces tryptophan 1660 with glycine.
Molecular consequence: missense variant.
Genome position (GRCh38, 1-based): chr21:46,244,867, A>C on the plus strand (T>G on the coding strand, the complement: MCM3AP is on the minus strand). VCF-style: chr21-46244867-A-C. GRCh37 (hg19) VCF-style: chr21-47664781-A-C.
Other names: short protein forms W1660G.
Identifiers: ClinVar variation 1368276 (VCV001368276.3), dbSNP rs373393920, ClinGen allele CA10075988.